The following is an entry in ClinVar:

ClinVar aggregate classification (germline): Uncertain significance (1 of 4 stars; one submission).

Conditions:
Developmental and epileptic encephalopathy, 90. Identifiers: MedGen C5542345, MONDO:0025353, OMIM 301058.

Submission:

Division of Genetic & Genomic Pathology, Hong Kong Children's Hospital
Classification: Uncertain significance for Developmental and epileptic encephalopathy, 90. Last evaluated: 2025-11-07. Review status: criteria provided, single submitter. Criteria: ACMG Guidelines, 2015. Collection method: clinical testing. Allele origin: somatic. Affected: yes.
Comment: FGF13 c.26T>C p.(Leu9Pro) is a missense variant located in exon 1, which encodes the N-terminal domain and is highly conserved across species and other homologs (PMID: 33245860). The variant is absent from the control populations (gnomAD v2.1.1 and v4.1.0), and has not been reported in Human Gene Mutation Database (HGMD, 2025.3) or ClinVar. It has a REVEL score of 0.797, which is predicted to be deleterious. The variant is a mosaic variant. The variant was NOT detected in both parents.

Literature cited by the submitters: PubMed 33245860.

NM_004114.5(FGF13):c.26T>C (p.Leu9Pro)

Gene: FGF13 (fibroblast growth factor 13; minus strand). Cytogenetic location: Xq26.3.
Variant type: single nucleotide variant.
Coding change: c.26T>C on transcript NM_004114.5 (MANE Select); coding-DNA position 26, T replaced by C.
Protein change: p.Leu9Pro; replaces leucine 9 with proline.
Molecular consequence: missense variant. On other transcripts: intron variant (5).
Genome position (GRCh38, 1-based): chrX:138,710,978, A>G on the plus strand (T>C on the coding strand, the complement: FGF13 is on the minus strand). VCF-style: chrX-138710978-A-G. GRCh37 (hg19) VCF-style: chrX-137793140-A-G.
Other names: c.50-2050T>C (NM_001139498.2); c.218-2050T>C (NM_001139500.2); c.131-2050T>C (NM_001139501.2, NM_001139502.2); c.29-2050T>C (NM_033642.3); short protein forms L9P.
Identifiers: ClinVar variation 5020102 (VCV005020102.1).